The following is an entry in ClinVar:

ClinVar aggregate classification (germline): Pathogenic (1 of 4 stars; one submission).

Submission:

Labcorp Genetics (formerly Invitae), Labcorp
Classification: Pathogenic. Last evaluated: 2022-10-24. Review status: criteria provided, single submitter. Criteria: Invitae Variant Classification Sherloc (09022015). Collection method: clinical testing. Allele origin: germline.
Comment: For these reasons, this variant has been classified as Pathogenic. This variant has not been reported in the literature in individuals affected with EYS-related conditions. This variant is a gross deletion of the genomic region encompassing exon(s) 30-35 of the EYS gene. This deletion is out-of-frame, and is expected to create a premature termination codon and result in an absent or disrupted protein product. Loss-of-function variants in EYS are known to be pathogenic (PMID: 18836446, 20333770).

Literature cited by the submitters: PubMed 18836446; PubMed 20333770.

NC_000006.11:g.(?_64694256)_(65016995_?)del

Gene: EYS (eyes shut homolog; minus strand). Cytogenetic location: 6q12.
Variant type: Deletion.
Identifiers: ClinVar variation 2423843 (VCV002423843.4).